The following is an entry in ClinVar:

NM_001242882.2(NAXD):c.610A>G (p.Met204Val)

Gene: NAXD (NAD(P)HX dehydratase; plus strand). Cytogenetic location: 13q34.
Variant type: single nucleotide variant.
Coding change: c.610A>G on transcript NM_001242882.2 (MANE Select); coding-DNA position 610, A replaced by G.
Protein change: p.Met204Val; replaces methionine 204 with valine.
Molecular consequence: missense variant. On other transcripts: non-coding transcript variant (2).
Genome position (GRCh38, 1-based): chr13:110,635,480, A>G. VCF-style: chr13-110635480-A-G. GRCh37 (hg19) VCF-style: chr13-111287827-A-G.
Other names: c.664A>G, p.Met222Val (NM_001242881.2, NM_018210.4); c.334A>G, p.Met112Val (NM_001242883.2); short protein forms M222V, M112V, M204V.
Identifiers: ClinVar variation 1348643 (VCV001348643.6), dbSNP rs138420275, ClinGen allele CA7051299.

ClinVar aggregate classification (germline): Uncertain significance. Review status: criteria provided, multiple submitters, no conflicts (2 of 4 stars). 3 submissions from 3 submitters: Uncertain significance (3). Last evaluated 2026-06-18.

Allele frequency attached by ClinVar (database versions not stated): ExAC 0.00010; gnomAD exomes 0.00012 and 0.00018; gnomAD 0.00014 and 0.00016; TOPMed 0.00018; ESP Exome Variant Server 0.00031.
gnomAD v4.1: 284 of 1,613,904 alleles (0.018%); highest among the groups gnomAD compares: Admixed American, 0.03%; no homozygotes.

Submissions (3):

Greenwood Genetic Center Diagnostic Laboratories, Greenwood Genetic Center
Classification: Uncertain significance. Last evaluated: 2026-06-18. Review status: criteria provided, single submitter. Criteria: ACMG Guidelines, 2015. Collection method: clinical testing. Allele origin: germline.
Comment: PM2, BP4

Labcorp Genetics (formerly Invitae), Labcorp
Classification: Uncertain significance. Last evaluated: 2023-12-18. Review status: criteria provided, single submitter. Criteria: Invitae Variant Classification Sherloc (09022015). Collection method: clinical testing. Allele origin: germline.
Comment: This sequence change replaces methionine, which is neutral and non-polar, with valine, which is neutral and non-polar, at codon 222 of the NAXD protein (p.Met222Val). This variant is present in population databases (rs138420275, gnomAD 0.02%). This variant has not been reported in the literature in individuals affected with NAXD-related conditions. ClinVar contains an entry for this variant (Variation ID: 1348643). Advanced modeling of protein sequence and biophysical properties (such as structural, functional, and spatial information, amino acid conservation, physicochemical variation, residue mobility, and thermodynamic stability) performed at Invitae indicates that this missense variant is not expected to disrupt NAXD protein function with a negative predictive value of 80%. In summary, the available evidence is currently insufficient to determine the role of this variant in disease. Therefore, it has been classified as a Variant of Uncertain Significance.

Breakthrough Genomics
Classification: Uncertain significance. Review status: criteria provided, single submitter. Criteria: ACMG Guidelines, 2015. Collection method: not provided. Allele origin: germline. Inheritance: Autosomal recessive inheritance. Affected: yes.